The following is an entry in ClinVar:

ClinVar aggregate classification (germline): Uncertain significance. Review status: criteria provided, multiple submitters, no conflicts (2 of 4 stars). 3 submissions from 3 submitters: Uncertain significance (3). Last evaluated 2025-06-10.

Conditions:
Optic atrophy 3 (OPA3). Also called: Optic atrophy 3 with cataract; OPTIC ATROPHY 3, AUTOSOMAL DOMINANT; Optic atrophy, cataract, and neurologic disorder. Identifiers: Orphanet 67036, MedGen C1833809, MONDO:0008133, OMIM 165300.
3-Methylglutaconic aciduria type 3 (MGCA3). Also called: OPA3-Related 3-Methylglutaconic Aciduria; Costeff Syndrome; OPA3, AUTOSOMAL RECESSIVE; OPTIC ATROPHY 3, AUTOSOMAL RECESSIVE. Identifiers: Orphanet 67047, MedGen C0574084, MONDO:0009787, OMIM 258501.

Allele frequency attached by ClinVar (database versions not stated): gnomAD exomes below 0.00001; gnomAD 0.00001; TOPMed 0.00001.
gnomAD v4.1: 5 of 1,605,156 alleles (0.00031%); highest among the groups gnomAD compares: Non-Finnish European, 0.00042%; no homozygotes.

Submissions (3):

Mayo Clinic Laboratories, Mayo Clinic
Classification: Uncertain significance. Last evaluated: 2025-06-10. Review status: criteria provided, single submitter. Criteria: ACMG Guidelines, 2015. Collection method: clinical testing. Allele origin: germline. Observed: 1 variant allele.

GeneDx
Classification: Uncertain significance. Last evaluated: 2024-10-02. Review status: criteria provided, single submitter. Criteria: GeneDx Variant Classification Process June 2021. Collection method: clinical testing. Allele origin: germline. Affected: yes.
Comment: Not observed at significant frequency in large population cohorts (gnomAD); In silico analysis indicates that this missense variant does not alter protein structure/function; Has not been previously published as pathogenic or benign to our knowledge

Labcorp Genetics (formerly Invitae), Labcorp
Classification: Uncertain significance for 3-Methylglutaconic aciduria type 3; Optic atrophy 3. Last evaluated: 2024-01-15. Review status: criteria provided, single submitter. Criteria: Invitae Variant Classification Sherloc (09022015). Collection method: clinical testing. Allele origin: germline.
Comment: This sequence change replaces glutamic acid, which is acidic and polar, with lysine, which is basic and polar, at codon 125 of the OPA3 protein (p.Glu125Lys). This variant is not present in population databases (gnomAD no frequency). This variant has not been reported in the literature in individuals affected with OPA3-related conditions. ClinVar contains an entry for this variant (Variation ID: 1391777). An algorithm developed to predict the effect of missense changes on protein structure and function (PolyPhen-2) suggests that this variant is likely to be disruptive. In summary, the available evidence is currently insufficient to determine the role of this variant in disease. Therefore, it has been classified as a Variant of Uncertain Significance.

NM_025136.4(OPA3):c.373G>A (p.Glu125Lys)

Genes: OPA3 (outer mitochondrial membrane lipid metabolism regulator OPA3; minus strand), OPA3-RTN2 (OPA3-RTN2 readthrough; minus strand). Cytogenetic location: 19q13.32.
Variant type: single nucleotide variant.
Coding change: c.373G>A on transcript NM_025136.4 (MANE Select); coding-DNA position 373, G replaced by A.
Protein change: p.Glu125Lys; replaces glutamic acid 125 with lysine.
Molecular consequence: missense variant. On other transcripts: intron variant (1).
Genome position (GRCh38, 1-based): chr19:45,553,681, C>T on the plus strand (G>A on the coding strand, the complement: OPA3 is on the minus strand). VCF-style: chr19-45553681-C-T. GRCh37 (hg19) VCF-style: chr19-46056939-C-T.
Other names: p.Glu125Lys; c.143-24225G>A (NM_001017989.3); c.373G>A (NM_025136.3); short protein forms E125K.
Identifiers: ClinVar variation 1391777 (VCV001391777.8), dbSNP rs1346674058, ClinGen allele CA406370340.